The following is an entry in ClinVar:

ClinVar aggregate classification (germline): Benign/Likely benign. Review status: criteria provided, multiple submitters, no conflicts (2 of 4 stars). 4 submissions from 4 submitters: Benign (1); Likely benign (3). Last evaluated 2026-06-09.

Conditions:
TTN-related disorder. Also called: TTN-related condition; TTN-related disease; TTN-related disorders.
Autosomal recessive limb-girdle muscular dystrophy type 2J (LGMDR10). Also called: Limb-girdle muscular dystrophy, type 2J; MUSCULAR DYSTROPHY, LIMB-GIRDLE, AUTOSOMAL RECESSIVE 10. Identifiers: Orphanet 140922, MedGen C1837342, MONDO:0012127, OMIM 608807.
Dilated cardiomyopathy 1G (CMD1G). Identifiers: Orphanet 154, MedGen C1858763, MONDO:0011400, OMIM 604145.
Cardiovascular phenotype. Identifiers: MedGen CN230736.

Allele frequency attached by ClinVar (database versions not stated): gnomAD exomes 0.00002 and 0.00009; gnomAD 0.00003; TOPMed 0.00003; ExAC 0.00004.
gnomAD v4.1: 35 of 1,612,982 alleles (0.0022%); highest among the groups gnomAD compares: East Asian, 0.058%; no homozygotes.

Submissions (4):

PreventionGenetics, part of Exact Sciences
Classification: Likely benign for TTN-related condition. Last evaluated: 2026-06-09. Review status: criteria provided, single submitter. Criteria: ACMG Guidelines, 2015. Collection method: clinical testing. Allele origin: germline.
Comment: This variant is classified as likely benign based on ACMG/AMP sequence variant interpretation guidelines (Richards et al. 2015 PMID: 25741868, with internal and published modifications).

Women's Health and Genetics/Laboratory Corporation of America, LabCorp
Classification: Likely benign. Last evaluated: 2026-05-30. Review status: criteria provided, single submitter. Criteria: LabCorp Variant Classification Summary - May 2015. Collection method: clinical testing. Allele origin: germline.

Labcorp Genetics (formerly Invitae), Labcorp
Classification: Benign for Dilated cardiomyopathy 1G; Autosomal recessive limb-girdle muscular dystrophy type 2J. Last evaluated: 2025-10-01. Review status: criteria provided, single submitter. Criteria: Invitae Variant Classification Sherloc (09022015). Collection method: clinical testing. Allele origin: germline.

Ambry Genetics
Classification: Likely benign for Cardiovascular phenotype. Last evaluated: 2025-03-13. Review status: criteria provided, single submitter. Criteria: Ambry Variant Classification Scheme 2023. Collection method: clinical testing. Allele origin: germline.

NM_001267550.2(TTN):c.57477C>T (p.Gly19159=)

Genes: TTN (titin; minus strand), TTN-AS1 (TTN antisense RNA 1; plus strand). Cytogenetic location: 2q31.2.
Variant type: single nucleotide variant.
Coding change: c.57477C>T on transcript NM_001267550.2 (MANE Select); coding-DNA position 57477, C replaced by T.
Protein change: p.Gly19159=; no amino-acid change (glycine 19159 retained).
Molecular consequence: synonymous variant. On other transcripts: non-coding transcript variant (2).
Genome position (GRCh38, 1-based): chr2:178,597,605, G>A on the plus strand (C>T on the coding strand, the complement: TTN is on the minus strand). VCF-style: chr2-178597605-G-A. GRCh37 (hg19) VCF-style: chr2-179462332-G-A.
Other names: c.52554C>T, p.Gly17518= (NM_001256850.1); c.30282C>T, p.Gly10094= (NM_003319.4); c.49773C>T, p.Gly16591= (NM_133378.4); c.30657C>T, p.Gly10219= (NM_133432.3); c.30858C>T, p.Gly10286= (NM_133437.4).
Identifiers: ClinVar variation 467301 (VCV000467301.15), dbSNP rs777480811, ClinGen allele CA1993047.
Genomic context (GRCh38, chr2:178,597,605, plus strand): 5'-ATCAACAATAATTGTCTTCTTTCTTTCTCCGGCTTCATTTTTGGCAAGAAGAGAATAGAC[G>A]CCTTGATGGCTCCTCTGGCAGTTCTTGATGACCATGGATGAGCTAATGGCTGTGGTCTCA-3'
Protein context (NP_001254479.2, residues 19149-19169): VIKNCQRSHQ[Gly19159=]VYSLLAKNEA